The following is an entry in ClinVar:

NM_000214.3(JAG1):c.412G>T (p.Ala138Ser)

Gene: JAG1 (jagged canonical Notch ligand 1; minus strand). Cytogenetic location: 20p12.2.
Variant type: single nucleotide variant.
Coding change: c.412G>T on transcript NM_000214.3 (MANE Select); coding-DNA position 412, G replaced by T.
Protein change: p.Ala138Ser; replaces alanine 138 with serine.
Molecular consequence: missense variant.
Genome position (GRCh38, 1-based): chr20:10,663,990, C>A on the plus strand (G>T on the coding strand, the complement: JAG1 is on the minus strand). VCF-style: chr20-10663990-C-A. GRCh37 (hg19) VCF-style: chr20-10644638-C-A.
Other names: short protein forms A138S.
Identifiers: ClinVar variation 3573304 (VCV003573304.2).

Conditions:
Arteriohepatic dysplasia. Also called: Alagille Syndrome. Identifiers: Orphanet 52, MedGen C0085280, MeSH D016738, MONDO:0007318.

Submission:

Gilbert/Spinner Lab, Children's Hospital of Philadelphia
No classification provided (evidence only). Condition: Alagille syndrome. Review status: no classification provided. Collection method: research. Allele origin: not applicable. Functional consequence: functionally_abnormal.
ClinVar note: "not provided" was previously submitted as the classification for the variant. However, the classification appeared to be based only on an observation of functional data so it was converted to no classification on 2025-07-30.